The following is an entry in ClinVar:

ClinVar aggregate classification (germline): Uncertain significance (1 of 4 stars; one submission).

Conditions:
Hypercholesterolemia, autosomal dominant, 3 (FHCL3). Also called: Familial Hypercholesterolemia, Autosomal Dominant, 3; PCSK9-Related Familial Hypercholesterolemia, Autosomal Dominant; Familial hypercholesterolemia 3. Identifiers: MedGen C1863551, MONDO:0011369, OMIM 603776.

gnomAD v4.1: 1 of 1,598,186 alleles (0.000063%); highest among the groups gnomAD compares: Non-Finnish European, 0.000085%; no homozygotes.

Submission:

All of Us Research Program, National Institutes of Health
Classification: Uncertain significance for Hypercholesterolemia, autosomal dominant, 3. Last evaluated: 2023-12-01. Review status: criteria provided, single submitter. Criteria: ACMG Guidelines, 2015. Collection method: clinical testing. Allele origin: germline. Inheritance: Autosomal dominant inheritance. Observed: 2 variant alleles, 2 heterozygotes.
Comment: This variant is located in the PCSK9 protein. To our knowledge, functional studies have not been reported for this variant. This variant has not been reported in individuals affected with PCSK9-related disorders in the literature. This variant has not been identified in the general population by the Genome Aggregation Database (gnomAD). The available evidence is insufficient to determine the role of this variant in disease conclusively. Therefore, this variant is classified as a Variant of Uncertain Significance.

This study involves interpretation of variants in research participants for the purpose of population health screening. Participant phenotype was not available at the time of variant classification. Additional details can be found in publication PMID: 35346344, PMCID: PMC8962531

NM_174936.4(PCSK9):c.1848G>T (p.Pro616=)

Gene: PCSK9 (proprotein convertase subtilisin/kexin type 9; plus strand). Cytogenetic location: 1p32.3.
Variant type: single nucleotide variant.
Coding change: c.1848G>T on transcript NM_174936.4 (MANE Select); coding-DNA position 1848, G replaced by T.
Protein change: p.Pro616=; no amino-acid change (proline 616 retained).
Molecular consequence: synonymous variant. On other transcripts: non-coding transcript variant (8).
Genome position (GRCh38, 1-based): chr1:55,061,541, G>T. VCF-style: chr1-55061541-G-T. GRCh37 (hg19) VCF-style: chr1-55527214-G-T.
Other names: c.1971G>T, p.Pro657= (NM_001407240.1); c.1890G>T, p.Pro630= (NM_001407241.1); c.1851G>T, p.Pro617= (NM_001407242.1); c.1791G>T, p.Pro597= (NM_001407243.1); c.1674G>T, p.Pro558= (NM_001407244.1); c.1656G>T, p.Pro552= (NM_001407245.1); c.1473G>T, p.Pro491= (NM_001407246.1); c.1347G>T, p.Pro449= (NM_001407247.1).
Identifiers: ClinVar variation 3073291 (VCV003073291.1), dbSNP rs145264023, ClinGen allele CA417960574.